The following is an entry in ClinVar:

NM_014927.5(CNKSR2):c.2507A>G (p.Asn836Ser)

Gene: CNKSR2 (connector enhancer of kinase suppressor of Ras 2; plus strand). Cytogenetic location: Xp22.12.
Variant type: single nucleotide variant.
Coding change: c.2507A>G on transcript NM_014927.5 (MANE Select); coding-DNA position 2507, A replaced by G.
Protein change: p.Asn836Ser; replaces asparagine 836 with serine.
Molecular consequence: missense variant.
Genome position (GRCh38, 1-based): chrX:21,609,432, A>G. VCF-style: chrX-21609432-A-G. GRCh37 (hg19) VCF-style: chrX-21627550-A-G.
Other names: c.2417A>G, p.Asn806Ser (NM_001168647.3, NM_001330773.2); c.2507A>G, p.Asn836Ser (NM_001168648.3); c.2360A>G, p.Asn787Ser (NM_001168649.3, NM_001330770.2); c.2270A>G, p.Asn757Ser (NM_001330771.2, NM_001330772.2); short protein forms N757S, N787S, N806S, N836S.
Identifiers: ClinVar variation 1309967 (VCV001309967.2), dbSNP rs2147283844, ClinGen allele CA412559354.

ClinVar aggregate classification (germline): Uncertain significance (1 of 4 stars; one submission).

Submission:

GeneDx
Classification: Uncertain significance. Last evaluated: 2019-11-04. Review status: criteria provided, single submitter. Criteria: GeneDx Variant Classification Process June 2021. Collection method: clinical testing. Allele origin: germline. Affected: yes.
Comment: Not observed in large population cohorts (Lek et al., 2016); In silico analysis, which includes protein predictors and evolutionary conservation, supports that this variant does not alter protein structure/function; Has not been previously published as pathogenic or benign to our knowledge